The following is an entry in ClinVar:

ClinVar aggregate classification (germline): Uncertain significance (1 of 4 stars; one submission).

Conditions:
Achondrogenesis, type IA (ACG1A). Identifiers: Orphanet 932, Orphanet 93299, MedGen C0265273, MONDO:0008701, OMIM 200600.

Submission:

Labcorp Genetics (formerly Invitae), Labcorp
Classification: Uncertain significance for Achondrogenesis, type IA. Last evaluated: 2022-07-07. Review status: criteria provided, single submitter. Criteria: Invitae Variant Classification Sherloc (09022015). Collection method: clinical testing. Allele origin: germline.
Comment: This variant is not present in population databases (gnomAD no frequency). This sequence change replaces proline, which is neutral and non-polar, with leucine, which is neutral and non-polar, at codon 1962 of the TRIP11 protein (p.Pro1962Leu). In summary, the available evidence is currently insufficient to determine the role of this variant in disease. Therefore, it has been classified as a Variant of Uncertain Significance. Algorithms developed to predict the effect of missense changes on protein structure and function are either unavailable or do not agree on the potential impact of this missense change (SIFT: "Not Available"; PolyPhen-2: "Possibly Damaging"; Align-GVGD: "Not Available"). This variant has not been reported in the literature in individuals affected with TRIP11-related conditions.

NM_004239.4(TRIP11):c.5885C>T (p.Pro1962Leu)

Gene: TRIP11 (thyroid hormone receptor interactor 11; minus strand). Cytogenetic location: 14q32.12.
Variant type: single nucleotide variant.
Coding change: c.5885C>T on transcript NM_004239.4 (MANE Select); coding-DNA position 5885, C replaced by T.
Protein change: p.Pro1962Leu; replaces proline 1962 with leucine.
Molecular consequence: missense variant.
Genome position (GRCh38, 1-based): chr14:91,969,728, G>A on the plus strand (C>T on the coding strand, the complement: TRIP11 is on the minus strand). VCF-style: chr14-91969728-G-A. GRCh37 (hg19) VCF-style: chr14-92436072-G-A.
Other names: c.5882C>T, p.Pro1961Leu (NM_001321851.1); short protein forms P1961L, P1962L.
Identifiers: ClinVar variation 2414138 (VCV002414138.6), dbSNP rs1566840737, ClinGen allele CA390643478.